The following is an entry in ClinVar:

ClinVar aggregate classification (germline): Uncertain significance (1 of 4 stars; one submission).

Conditions:
Developmental and epileptic encephalopathy, 1 (DEE1). Also called: X-linked infantile spasms; West's syndrome; Tonic spasms with clustering, arrest of psychomotor development and hypsarrhythmia on EEG; X-Linked Infantile Spasm Syndrome; OHTAHARA SYNDROME, X-LINKED; INFANTILE SPASM SYNDROME, X-LINKED 1. Identifiers: MedGen C3463992, MONDO:0010632, OMIM 308350. Disease mechanism: loss of function.
Intellectual disability, X-linked, with or without seizures, ARX-related. Also called: Mental retardation, X-linked 52; MENTAL RETARDATION, X-LINKED 29; MENTAL RETARDATION, X-LINKED 32; MENTAL RETARDATION, X-LINKED 33; MENTAL RETARDATION, X-LINKED 38; MENTAL RETARDATION, X-LINKED 43. Identifiers: Orphanet 777, MedGen C0796244, MONDO:0010317, OMIM 300419.

Submission:

Labcorp Genetics (formerly Invitae), Labcorp
Classification: Uncertain significance for Developmental and epileptic encephalopathy, 1; Intellectual disability, X-linked, with or without seizures, ARX-related. Last evaluated: 2022-01-04. Review status: criteria provided, single submitter. Criteria: Invitae Variant Classification Sherloc (09022015). Collection method: clinical testing. Allele origin: germline.
Comment: In summary, the available evidence is currently insufficient to determine the role of this variant in disease. Therefore, it has been classified as a Variant of Uncertain Significance. Advanced modeling of protein sequence and biophysical properties (such as structural, functional, and spatial information, amino acid conservation, physicochemical variation, residue mobility, and thermodynamic stability) performed at Invitae indicates that this missense variant is not expected to disrupt ARX protein function. This variant has not been reported in the literature in individuals affected with ARX-related conditions. This sequence change replaces leucine, which is neutral and non-polar, with proline, which is neutral and non-polar, at codon 244 of the ARX protein (p.Leu244Pro). This variant is not present in population databases (gnomAD no frequency).

NM_139058.3(ARX):c.731T>C (p.Leu244Pro)

Gene: ARX (aristaless related homeobox; minus strand). Cytogenetic location: Xp21.3.
Variant type: single nucleotide variant.
Coding change: c.731T>C on transcript NM_139058.3 (MANE Select); coding-DNA position 731, T replaced by C.
Protein change: p.Leu244Pro; replaces leucine 244 with proline.
Molecular consequence: missense variant.
Genome position (GRCh38, 1-based): chrX:25,013,264, A>G on the plus strand (T>C on the coding strand, the complement: ARX is on the minus strand). VCF-style: chrX-25013264-A-G. GRCh37 (hg19) VCF-style: chrX-25031381-A-G.
Other names: short protein forms L244P.
Identifiers: ClinVar variation 2072402 (VCV002072402.4), dbSNP rs2519106746, ClinGen allele CA412612547.